The following is an entry in ClinVar:

ClinVar aggregate classification (germline): Pathogenic (1 of 4 stars; one submission).

Submission:

Labcorp Genetics (formerly Invitae), Labcorp
Classification: Pathogenic. Last evaluated: 2022-05-25. Review status: criteria provided, single submitter. Criteria: Invitae Variant Classification Sherloc (09022015). Collection method: clinical testing. Allele origin: germline.
Comment: For these reasons, this variant has been classified as Pathogenic. Algorithms developed to predict the effect of sequence changes on RNA splicing suggest that this variant may create or strengthen a splice site. This variant has not been reported in the literature in individuals affected with ADAMTSL4-related conditions. This variant is not present in population databases (gnomAD no frequency). This sequence change creates a premature translational stop signal (p.Glu882*) in the ADAMTSL4 gene. It is expected to result in an absent or disrupted protein product. Loss-of-function variants in ADAMTSL4 are known to be pathogenic (PMID: 20564469, 28642162).

Literature cited by the submitters: PubMed 20564469; PubMed 28642162.

NM_019032.6(ADAMTSL4):c.2644G>T (p.Glu882Ter)

Gene: ADAMTSL4 (ADAMTS like 4; plus strand). Cytogenetic location: 1q21.2.
Variant type: single nucleotide variant.
Coding change: c.2644G>T on transcript NM_019032.6 (MANE Select); coding-DNA position 2644, G replaced by T.
Protein change: p.Glu882Ter; replaces glutamic acid 882 with a stop codon.
Molecular consequence: nonsense.
Genome position (GRCh38, 1-based): chr1:150,559,046, G>T. VCF-style: chr1-150559046-G-T. GRCh37 (hg19) VCF-style: chr1-150531522-G-T.
Other names: c.2527G>T, p.Glu843Ter (NM_001288607.2); c.2713G>T, p.Glu905Ter (NM_001288608.2); c.2644G>T, p.Glu882Ter (NM_001378596.1); short protein forms E843*, E882*, E905*.
Identifiers: ClinVar variation 1998418 (VCV001998418.4), dbSNP rs1361693785, ClinGen allele CA342315932.